The following is an entry in ClinVar:

ClinVar aggregate classification (germline): Uncertain significance (1 of 4 stars; one submission).

Conditions:
Coffin-Siris syndrome 1 (CSS1). Also called: Mental retardation, autosomal dominant 12; ARID1B-Related Coffin-Siris Syndrome. Identifiers: Orphanet 1465, MedGen C3281201, MONDO:0007617, OMIM 135900. Disease mechanism: gain of function.

Submission:

Laboratorio de Genetica e Diagnostico Molecular, Hospital Israelita Albert Einstein
Classification: Uncertain significance for Coffin-Siris syndrome 1. Last evaluated: 2024-12-20. Review status: criteria provided, single submitter. Criteria: ACMG Guidelines, 2015. Collection method: clinical testing. Allele origin: germline. Affected: yes.
Comment: ACMG classification criteria: PVS1 strong, PM2 supporting

NM_001374828.1(ARID1B):c.6992_6993del (p.Val2331fs)

Gene: ARID1B (AT-rich interaction domain 1B; plus strand). Cytogenetic location: 6q25.3.
Variant type: Deletion.
Coding change: c.6992_6993del on transcript NM_001374828.1 (MANE Select); coding-DNA positions 6992 to 6993, 2 bases deleted (TG; older notation c.6992_6993delTG).
Protein change: p.Val2331fs; shifts the reading frame from valine 2331.
Molecular consequence: frameshift variant.
Genome position (GRCh38, 1-based): chr6:157,207,764-157,207,765, TG deleted; deleting any 2 consecutive bases within chr6:157,207,763-157,207,765 gives the same sequence; the c. name uses the placement nearest the transcript's 3' end. VCF-style (leftmost placement, unchanged base first): chr6-157207762-AGT-A. GRCh37 (hg19) VCF-style: chr6-157528896-AGT-A.
Other names: c.4493_4494del, p.Val1498fs (NM_001363725.2); c.6872_6873del, p.Val2291fs (NM_001371656.1, NM_001374820.1); c.6833_6834del, p.Val2278fs (NM_017519.3); short protein forms V1498fs, V2278fs, V2291fs, V2331fs.
Identifiers: ClinVar variation 3900987 (VCV003900987.1).